The following is an entry in ClinVar:

ClinVar aggregate classification (germline): Uncertain significance (1 of 4 stars; one submission).

Conditions:
Glycogen storage disease IV, classic hepatic. Also called: GSD IV, CLASSIC HEPATIC. Identifiers: MedGen C1856301.
Glycogen storage disease, type IV (GSD4). Also called: BRANCHER DEFICIENCY; AMYLOPECTINOSIS; ANDERSEN DISEASE; CIRRHOSIS, FAMILIAL, WITH DEPOSITION OF ABNORMAL GLYCOGEN; GBE1 DEFICIENCY; GLYCOGEN BRANCHING ENZYME DEFICIENCY. Identifiers: Orphanet 367, MedGen C0017923, MONDO:0009292, OMIM 232500.

Allele frequency attached by ClinVar (database versions not stated): TOPMed below 0.00001; gnomAD 0.00001; gnomAD exomes 0.00001 and 0.00002; ExAC 0.00002.

Submission:

Labcorp Genetics (formerly Invitae), Labcorp
Classification: Uncertain significance for Glycogen storage disease, type IV; Glycogen storage disease IV, classic hepatic. Last evaluated: 2022-07-26. Review status: criteria provided, single submitter. Criteria: Invitae Variant Classification Sherloc (09022015). Collection method: clinical testing. Allele origin: germline.
Comment: This sequence change replaces tyrosine, which is neutral and polar, with cysteine, which is neutral and slightly polar, at codon 163 of the GBE1 protein (p.Tyr163Cys). This variant is present in population databases (rs771447249, gnomAD 0.002%). This variant has not been reported in the literature in individuals affected with GBE1-related conditions. ClinVar contains an entry for this variant (Variation ID: 1394563). Advanced modeling of protein sequence and biophysical properties (such as structural, functional, and spatial information, amino acid conservation, physicochemical variation, residue mobility, and thermodynamic stability) performed at Invitae indicates that this missense variant is not expected to disrupt GBE1 protein function. In summary, the available evidence is currently insufficient to determine the role of this variant in disease. Therefore, it has been classified as a Variant of Uncertain Significance.

NM_000158.4(GBE1):c.488A>G (p.Tyr163Cys)

Gene: GBE1 (1,4-alpha-glucan branching enzyme 1; minus strand). Cytogenetic location: 3p12.2.
Variant type: single nucleotide variant.
Coding change: c.488A>G on transcript NM_000158.4 (MANE Select); coding-DNA position 488, A replaced by G.
Protein change: p.Tyr163Cys; replaces tyrosine 163 with cysteine.
Molecular consequence: missense variant.
Genome position (GRCh38, 1-based): chr3:81,649,863, T>C on the plus strand (A>G on the coding strand, the complement: GBE1 is on the minus strand). VCF-style: chr3-81649863-T-C. GRCh37 (hg19) VCF-style: chr3-81699014-T-C.
Other names: short protein forms Y163C.
Identifiers: ClinVar variation 1394563 (VCV001394563.4), dbSNP rs771447249, ClinGen allele CA2499954.
Genomic context (GRCh38, chr3:81,649,863, plus strand): 5'-GAGTGTTCTGGATCCCAGTGTATCCAATCATAATTCACATTATCACCTTCACGAACCACA[T>C]ACTTTGCCCACGGTGAAATACGATACAAGATCTCTCCGCTTTTACTAGTAATAACTACCT-3'
Protein context (NP_000149.4, residues 153-173): ILYRISPWAK[Tyr163Cys]VVREGDNVNY